The following is an entry in ClinVar:

NM_001367479.1(DNAH14):c.3113A>T (p.His1038Leu)

Gene: DNAH14 (dynein axonemal heavy chain 14; plus strand). Cytogenetic location: 1q42.12.
Variant type: single nucleotide variant.
Coding change: c.3113A>T on transcript NM_001367479.1 (MANE Select); coding-DNA position 3113, A replaced by T.
Protein change: p.His1038Leu; replaces histidine 1038 with leucine.
Molecular consequence: missense variant.
Genome position (GRCh38, 1-based): chr1:225,080,725, A>T. VCF-style: chr1-225080725-A-T. GRCh37 (hg19) VCF-style: chr1-225268427-A-T.
Other names: short protein forms H1038L.
Identifiers: ClinVar variation 2639944 (VCV002639944.24), dbSNP rs115240788, ClinGen allele CA1415852.

ClinVar aggregate classification (germline): Likely benign (1 of 4 stars; one submission).

Allele frequency attached by ClinVar (database versions not stated): 1000 Genomes Project 0.00100; 1000 Genomes Project 30x 0.00125; TOPMed 0.00449; gnomAD 0.00452; ExAC 0.00457; ESP Exome Variant Server 0.00679.
gnomAD v4.1: 9,254 of 1,528,152 alleles (0.61%); highest among the groups gnomAD compares: Non-Finnish European, 0.71%; 39 homozygotes.

Submission:

CeGaT Center for Human Genetics Tuebingen
Classification: Likely benign. Last evaluated: 2024-10-01. Review status: criteria provided, single submitter. Criteria: CeGaT Center For Human Genetics Tuebingen Variant Classification Criteria Version 2. Collection method: clinical testing. Allele origin: germline. Affected: yes. Observed: 2 variant alleles.
Comment: DNAH14: BP4, BS2